The following is an entry in ClinVar:

NM_024665.7(TBL1XR1):c.1518+3A>G

Gene: TBL1XR1 (TBL1X/Y related 1; minus strand). Cytogenetic location: 3q26.32.
Variant type: single nucleotide variant.
Coding change: c.1518+3A>G on transcript NM_024665.7 (MANE Select); 3 bases into the intron after coding-DNA position 1518, A replaced by G.
Molecular consequence: intron variant.
Genome position (GRCh38, 1-based): chr3:177,026,370, T>C on the plus strand (A>G on the coding strand, the complement: TBL1XR1 is on the minus strand). VCF-style: chr3-177026370-T-C. GRCh37 (hg19) VCF-style: chr3-176744158-T-C.
Other names: c.1518+3A>G (NM_001374327.1, NM_001321194.3, NM_001321193.3 and 2 more transcripts); c.1257+3A>G (NM_001374330.1, NM_001321195.3).
Identifiers: ClinVar variation 2812076 (VCV002812076.3), dbSNP rs2473552624, ClinGen allele CA2739278601.
Genomic context (GRCh38, chr3:177,026,370, plus strand): 5'-TAAGCTGCATTCTGATGTGAATACCCACCCACACCCTCTTTGGAAACACTTTACTATACT[T>C]ACTGAACCATCTGATGCACTGGCTCCAACTTTGTCTCCTGCTGCATTCCAGCAAACTTCA-3'

ClinVar aggregate classification (germline): Uncertain significance (1 of 4 stars; one submission).

Conditions:
Pierpont syndrome (PRPTS). Identifiers: Orphanet 487825, MedGen C1865644, MONDO:0011213, OMIM 602342.

Submission:

Labcorp Genetics (formerly Invitae), Labcorp
Classification: Uncertain significance for Pierpont syndrome. Last evaluated: 2022-11-04. Review status: criteria provided, single submitter. Criteria: Invitae Variant Classification Sherloc (09022015). Collection method: clinical testing. Allele origin: germline.
Comment: In summary, the available evidence is currently insufficient to determine the role of this variant in disease. Therefore, it has been classified as a Variant of Uncertain Significance. Variants that disrupt the consensus splice site are a relatively common cause of aberrant splicing (PMID: 17576681, 9536098). Algorithms developed to predict the effect of sequence changes on RNA splicing suggest that this variant is not likely to affect RNA splicing. This variant has not been reported in the literature in individuals affected with TBL1XR1-related conditions. This variant is not present in population databases (gnomAD no frequency). This sequence change falls in intron 15 of the TBL1XR1 gene. It does not directly change the encoded amino acid sequence of the TBL1XR1 protein. It affects a nucleotide within the consensus splice site.

Literature cited by the submitters: PubMed 17576681; PubMed 9536098.